The following is an entry in ClinVar:

ClinVar aggregate classification (germline): Uncertain significance. Review status: criteria provided, multiple submitters, no conflicts (2 of 4 stars). 2 submissions from 2 submitters: Uncertain significance (2). Last evaluated 2025-03-04.

Conditions:
Cardiovascular phenotype. Identifiers: MedGen CN230736.

Allele frequency attached by ClinVar (database versions not stated): gnomAD exomes below 0.00001; ExAC 0.00002; TOPMed 0.00004; gnomAD 0.00006; ESP Exome Variant Server 0.00008.
gnomAD v4.1: 15 of 1,613,182 alleles (0.00093%); highest among the groups gnomAD compares: African/African-American, 0.019%; no homozygotes.

Submissions (2):

GeneDx
Classification: Uncertain significance. Last evaluated: 2025-03-04. Review status: criteria provided, single submitter. Criteria: GeneDx Variant Classification Process June 2021. Collection method: clinical testing. Allele origin: germline. Affected: yes.
Comment: In silico analysis supports that this missense variant has a deleterious effect on protein structure/function; Has not been previously published as pathogenic or benign to our knowledge

Ambry Genetics
Classification: Uncertain significance for Cardiovascular phenotype. Last evaluated: 2022-08-10. Review status: criteria provided, single submitter. Criteria: Ambry Variant Classification Scheme 2023. Collection method: clinical testing. Allele origin: germline.
Comment: The p.L827P variant (also known as c.2480T>C), located in coding exon 17 of the APOB gene, results from a T to C substitution at nucleotide position 2480. The leucine at codon 827 is replaced by proline, an amino acid with similar properties. This amino acid position is conserved. In addition, the in silico prediction for this alteration is inconclusive. Since supporting evidence is limited at this time, the clinical significance of this alteration remains unclear.

NM_000384.3(APOB):c.2480T>C (p.Leu827Pro)

Gene: APOB (apolipoprotein B; minus strand). Cytogenetic location: 2p24.1.
Variant type: single nucleotide variant.
Coding change: c.2480T>C on transcript NM_000384.3 (MANE Select); coding-DNA position 2480, T replaced by C.
Protein change: p.Leu827Pro; replaces leucine 827 with proline.
Molecular consequence: missense variant.
Genome position (GRCh38, 1-based): chr2:21,023,649, A>G on the plus strand (T>C on the coding strand, the complement: APOB is on the minus strand). VCF-style: chr2-21023649-A-G. GRCh37 (hg19) VCF-style: chr2-21246521-A-G.
Other names: short protein forms L827P.
Identifiers: ClinVar variation 1791920 (VCV001791920.3), dbSNP rs141065129, ClinGen allele CA056527.